The following is an entry in ClinVar:

NM_000525.4(KCNJ11):c.718dup (p.Met240fs)

Gene: KCNJ11 (potassium inwardly rectifying channel subfamily J member 11; minus strand). Cytogenetic location: 11p15.1.
Variant type: Duplication.
Coding change: c.718dup on transcript NM_000525.4 (MANE Select); coding-DNA position 718, one base duplicated (A; older notation c.718dupA).
Protein change: p.Met240fs; shifts the reading frame from methionine 240.
Molecular consequence: frameshift variant.
Genome position (GRCh38, 1-based): chr11:17,387,374, T duplicated on the plus strand (A on the coding strand, the reverse complement: KCNJ11 is on the minus strand). VCF-style (leftmost placement, unchanged base first): chr11-17387373-A-AT. GRCh37 (hg19) VCF-style: chr11-17408920-A-AT.
Other names: c.457dup, p.Met153fs (NM_001166290.2, NM_001377296.1, NM_001377297.1); c.718dupA (NM_000525.3); short protein forms M153fs, M240fs.
Identifiers: ClinVar variation 555590 (VCV000555590.8), dbSNP rs1554901718, ClinGen allele CA658822454.
Genomic context (GRCh38, chr11:17,387,373, plus strand): 5'-ACATGGTAGATGATCAGCGGGGCCACCAGGAAGATGCTGTTGCCACCCACGCCGTTCTCC[A>AT]TGGGGATGTCCACCTGGTGGAGGGGCACCACCTCGCCCTCGGGGCTGGTGGTCTTGCGTA-3'

ClinVar aggregate classification (germline): Conflicting classifications of pathogenicity. Review status: criteria provided, conflicting classifications (1 of 4 stars). 3 submissions from 3 submitters: Likely pathogenic (1); Uncertain significance (1). 1 of the submissions does not count toward it. Last evaluated 2023-03-14.

Conditions:
Diabetes mellitus, transient neonatal, 3 (TNDM3). Identifiers: Orphanet 99886, MedGen C1864623, MONDO:0012522, OMIM 610582. Disease mechanism: loss of function.
Hyperinsulinemic hypoglycemia, familial, 2. Also called: HYPERINSULINEMIC HYPOGLYCEMIA, PERSISTENT; HYPERINSULINISM, NEONATAL. Identifiers: Orphanet 276580, Orphanet 276603, MedGen C2931833, MONDO:0011153, OMIM 601820. Disease mechanism: loss of function.
Permanent neonatal diabetes mellitus 1. Also called: GCK-Related Permanent Neonatal Diabetes Mellitus. Identifiers: MedGen C5393570, MONDO:0100165, OMIM 606176.
Maturity-onset diabetes of the young (MODY). Also called: Maturity onset diabetes mellitus in young. Identifiers: Orphanet 552, MedGen C0342276, MONDO:0018911, HP:0004904.
Type 2 diabetes mellitus. Also called: Type II diabetes mellitus. Identifiers: MedGen C0011860, MeSH D003924, MONDO:0005148, OMIM 125853, HP:0005978.

Submissions (3):

Baylor Genetics
Classification: Likely pathogenic for Type 2 diabetes mellitus. Last evaluated: 2023-03-14. Review status: criteria provided, single submitter. Criteria: ACMG Guidelines, 2015. Collection method: clinical testing. Allele origin: unknown.

Clinical Genomics, Uppaluri K&H Personalized Medicine Clinic
Classification: Uncertain significance for Maturity-onset diabetes of the young. Review status: criteria provided, single submitter. Criteria: K&H Uppaluri Personalized Medicine Clinic Variant Classification & Assertion Criteria. Collection method: research. Allele origin: somatic. Inheritance: Autosomal dominant inheritance.
Comment: Mutations in KCNJ11 gene can cause decreased production and secretion of insulin. This can lead to MODY which may be responsive to oral sulfonylureas. It is also associated with with Neonatal Diabetes. However, no sufficient evidence is found to ascertain the role of rs1554901718 variant in MODY yet.

Counsyl
Classification: Likely pathogenic for Hyperinsulinemic hypoglycemia, familial, 2; Permanent neonatal diabetes mellitus 1; Diabetes mellitus, transient neonatal, 3. Last evaluated: 2017-12-13. Review status: no assertion criteria provided. Collection method: clinical testing. Allele origin: unknown. Not counted in ClinVar's aggregate classification.

Literature cited by the submitters: PubMed 26448950 (cited by Clinical Genomics, Uppaluri K&H Personalized Medicine Clinic); PubMed 15580558 (cited by Clinical Genomics, Uppaluri K&H Personalized Medicine Clinic); PubMed 15718250 (cited by Clinical Genomics, Uppaluri K&H Personalized Medicine Clinic); PubMed 32935446 (cited by Clinical Genomics, Uppaluri K&H Personalized Medicine Clinic); PubMed 22701567 (cited by Clinical Genomics, Uppaluri K&H Personalized Medicine Clinic).